The following is an entry in ClinVar:

ClinVar aggregate classification (germline): Conflicting classifications of pathogenicity. Review status: criteria provided, conflicting classifications (1 of 4 stars). 4 submissions from 4 submitters: Uncertain significance (1); Likely benign (2). 1 of the submissions does not count toward it. Last evaluated 2025-12-17.

Conditions:
Inborn genetic diseases. Identifiers: MedGen C0950123, MeSH D030342.
MYO18B-related disorder. Also called: MYO18B-related condition.

Allele frequency attached by ClinVar (database versions not stated): gnomAD exomes 0.00015; ExAC 0.00020; gnomAD 0.00050 and 0.00055; ESP Exome Variant Server 0.00064; TOPMed 0.00064; 1000 Genomes Project 30x 0.00109; 1000 Genomes Project 0.00120.
gnomAD v4.1: 206 of 1,613,726 alleles (0.013%); highest among the groups gnomAD compares: African/African-American, 0.19%; 1 homozygote.

Submissions (4):

Labcorp Genetics (formerly Invitae), Labcorp
Classification: Likely benign. Last evaluated: 2025-12-17. Review status: criteria provided, single submitter. Criteria: Invitae Variant Classification Sherloc (09022015). Collection method: clinical testing. Allele origin: germline.

Ambry Genetics
Classification: Uncertain significance for Inborn genetic diseases. Last evaluated: 2024-08-12. Review status: criteria provided, single submitter. Criteria: Ambry Variant Classification Scheme 2023. Collection method: clinical testing. Allele origin: germline.

Blueprint Genetics
Classification: Likely benign. Last evaluated: 2024-06-24. Review status: criteria provided, single submitter. Criteria: ACMG Guidelines, 2015. Collection method: clinical testing. Allele origin: germline.

PreventionGenetics, part of Exact Sciences
Classification: Likely benign for MYO18B-related condition. Last evaluated: 2024-09-03. Review status: no assertion criteria provided. Collection method: clinical testing. Allele origin: germline. Not counted in ClinVar's aggregate classification.
Comment: This variant is classified as likely benign based on ACMG/AMP sequence variant interpretation guidelines (Richards et al. 2015 PMID: 25741868, with internal and published modifications).

NM_032608.7(MYO18B):c.485C>T (p.Pro162Leu)

Gene: MYO18B (myosin XVIIIB; plus strand). Cytogenetic location: 22q12.1.
Variant type: single nucleotide variant.
Coding change: c.485C>T on transcript NM_032608.7 (MANE Select); coding-DNA position 485, C replaced by T.
Protein change: p.Pro162Leu; replaces proline 162 with leucine.
Molecular consequence: missense variant.
Genome position (GRCh38, 1-based): chr22:25,768,401, C>T. VCF-style: chr22-25768401-C-T. GRCh37 (hg19) VCF-style: chr22-26164368-C-T.
Other names: c.485C>T (NM_032608.6, NM_032608.5); c.485C>T, p.Pro162Leu (NM_001318245.2); short protein forms P162L.
Identifiers: ClinVar variation 1564225 (VCV001564225.11), dbSNP rs199995534, ClinGen allele CA10159601.